The following is an entry in ClinVar:

NM_152703.5(SAMD9L):c.3583G>A (p.Ala1195Thr)

Gene: SAMD9L (sterile alpha motif domain containing 9 like; minus strand). Cytogenetic location: 7q21.2.
Variant type: single nucleotide variant.
Coding change: c.3583G>A on transcript NM_152703.5 (MANE Select); coding-DNA position 3583, G replaced by A.
Protein change: p.Ala1195Thr; replaces alanine 1195 with threonine.
Molecular consequence: missense variant.
Genome position (GRCh38, 1-based): chr7:93,132,389, C>T on the plus strand (G>A on the coding strand, the complement: SAMD9L is on the minus strand). VCF-style: chr7-93132389-C-T. GRCh37 (hg19) VCF-style: chr7-92761702-C-T.
Other names: c.3583G>A, p.Ala1195Thr (NM_001303496.3, NM_001303497.3, NM_001303498.3 and 5 more transcripts); c.3583G>A (NM_152703.2); short protein forms A1195T.
Identifiers: ClinVar variation 3367897 (VCV003367897.2).
Genomic context (GRCh38, chr7:93,132,389, plus strand): 5'-GAGTGAGCTGAAGAATCTGGATAGTGTAAAGACCAACTTCTATTTCACCCAAGAAACAAG[C>T]TGTGTTATACATGTCATATCGTCTCTGGGACTTCTGTGGTGACCAGTTCTCGGTTTCATA-3'
Protein context (NP_689916.2, residues 1185-1205): SQRRYDMYNT[Ala1195Thr]CFLGEIEVGL

ClinVar aggregate classification (germline): Uncertain significance. Review status: criteria provided, multiple submitters, no conflicts (2 of 4 stars). 2 submissions from 2 submitters: Uncertain significance (2). Last evaluated 2025-06-28.

Conditions:
Inborn genetic diseases. Identifiers: MedGen C0950123, MeSH D030342.

Submissions (2):

Ambry Genetics
Classification: Uncertain significance for Inborn genetic diseases. Last evaluated: 2025-06-28. Review status: criteria provided, single submitter. Criteria: Ambry Variant Classification Scheme 2023. Collection method: clinical testing. Allele origin: germline.
Comment: The p.A1195T variant (also known as c.3583G>A), located in coding exon 1 of the SAMD9L gene, results from a G to A substitution at nucleotide position 3583. The alanine at codon 1195 is replaced by threonine, an amino acid with similar properties. This amino acid position is conserved. In addition, this alteration is predicted to be tolerated by in silico analysis. Based on the available evidence, the clinical significance of this variant remains unclear.

GeneDx
Classification: Uncertain significance. Last evaluated: 2024-01-16. Review status: criteria provided, single submitter. Criteria: GeneDx Variant Classification Process June 2021. Collection method: clinical testing. Allele origin: germline. Affected: yes.
Comment: Not observed at significant frequency in large population cohorts (gnomAD); In silico analysis supports that this missense variant does not alter protein structure/function; Has not been previously published as pathogenic or benign to our knowledge